The following is an entry in ClinVar:

ClinVar aggregate classification (germline): Likely benign (1 of 4 stars; one submission).

Submission:

GeneDx
Classification: Likely benign. Last evaluated: 2018-01-22. Review status: criteria provided, single submitter. Criteria: GeneDx Variant Classification (06012015). Collection method: clinical testing. Allele origin: germline. Affected: yes.
Comment: This variant is considered likely benign or benign based on one or more of the following criteria: it is a conservative change, it occurs at a poorly conserved position in the protein, it is predicted to be benign by multiple in silico algorithms, and/or has population frequency not consistent with disease.

NM_206926.2(SELENON):c.-22_-13dup

Gene: SELENON (selenoprotein N; plus strand). Cytogenetic location: 1p36.11.
Variant type: Duplication.
Coding change: c.-22_-13dup on transcript NM_206926.2 (MANE Select); 22 bases upstream of the start codon through 13 bases upstream of the start codon, 10 bases duplicated (GCAGCCGCCG; older notation c.-22_-13dupGCAGCCGCCG).
Molecular consequence: 5 prime UTR variant.
Genome position (GRCh38, 1-based): chr1:25,800,209-25,800,218, GCAGCCGCCG duplicated; duplicating any 10 consecutive bases within chr1:25,800,202-25,800,218 gives the same sequence; the c. name uses the placement nearest the transcript's 3' end. VCF-style (leftmost placement, unchanged base first): chr1-25800201-G-GGCCGCCGGCA. GRCh37 (hg19) VCF-style: chr1-26126692-G-GGCCGCCGGCA.
Other names: c.-22_-13dup (NM_020451.3); c.-22_-13dupGCAGCCGCCG (NM_020451.2).
Identifiers: ClinVar variation 514934 (VCV000514934.1), dbSNP rs1553198459, ClinGen allele CA521904874.